The following is an entry in ClinVar:

NM_000077.5(CDKN2A):c.274del (p.Asp92fs)

Gene: CDKN2A (cyclin dependent kinase inhibitor 2A; minus strand). Cytogenetic location: 9p21.3.
Variant type: Deletion.
Coding change: c.274del on transcript NM_000077.5; coding-DNA position 274, one base deleted (G; older notation c.274delG).
Protein change: p.Asp92fs; shifts the reading frame from aspartic acid 92.
Molecular consequence: frameshift variant (on NM_000077.4). On other transcripts: 3 prime UTR variant (1).
Genome position (GRCh38, 1-based): chr9:21,971,085, C deleted on the plus strand (G on the coding strand, the reverse complement: CDKN2A is on the minus strand); the first of 2 consecutive C bases (chr9:21,971,085-21,971,086); deleting either gives the same sequence. VCF-style (leftmost placement, unchanged base first): chr9-21971084-TC-T. GRCh37 (hg19) VCF-style: chr9-21971083-TC-T.
Other names: c.274delG (NM_000077.4); c.273delG, p.Asp92Thrfs (NM_000077.6); c.274del, p.Asp92fs (NM_001195132.2); c.121del, p.Asp41fs (NM_001363763.2); c.317del, p.Gly106fs (NM_058195.4); c.*197del (NM_058197.5); short protein forms G106fs, D92fs, D41fs.
Identifiers: ClinVar variation 3999765 (VCV003999765.1).
Genomic context (GRCh38, chr9:21,971,084, plus strand): 5'-CGGCCCCAGGCATCGCGCACGTCCAGCCGCGCCCCGGCCCGGTGCAGCACCACCAGCGTG[TC>T]CAGGAAGCCCTCCCGGGCAGCGTCGTGCACGGGTCGGGTGAGAGTGGCGGGGTCGGCGCA-3'

ClinVar aggregate classification (germline): Pathogenic (1 of 4 stars; one submission).

Conditions:
Hereditary cancer-predisposing syndrome. Also called: Hereditary Cancer Syndrome; Hereditary neoplastic syndrome; Neoplastic Syndromes, Hereditary; Tumor predisposition. Identifiers: Orphanet 140162, MedGen C0027672, MeSH D009386, MONDO:0015356.

Submission:

Ambry Genetics
Classification: Pathogenic for Hereditary cancer-predisposing syndrome. Last evaluated: 2025-03-24. Review status: criteria provided, single submitter. Criteria: Ambry Variant Classification Scheme 2023. Collection method: clinical testing. Allele origin: germline.
Comment: The c.274delG pathogenic mutation, located in coding exon 2 of the CDKN2A gene, results from a deletion of one nucleotide at nucleotide position 274, causing a translational frameshift with a predicted alternate stop codon (p.D92Tfs*54). This alteration occurs at the 3' terminus of theCDKN2A gene, is not expected to trigger nonsense-mediated mRNA decay, and impacts the last 41% of the protein. However, premature stop codons are typically deleterious in nature and a significant portion of the protein is affected (Ambry internal data). This variant is considered to be rare based on population cohorts in the Genome Aggregation Database (gnomAD). Of note, this alteration is also known as c.317delG (p.G106Dfs*66)in the p14(ARF) isoform. Of note, this alteration is also known as c.317delG (p.G106Dfs*66)in the p14(ARF) isoform. Based on the supporting evidence, this variant is interpreted as a disease-causing mutation.